The following is an entry in ClinVar:

NM_022489.4(INF2):c.3542C>T (p.Pro1181Leu)

Gene: INF2 (inverted formin 2; plus strand). Cytogenetic location: 14q32.33.
Variant type: single nucleotide variant.
Coding change: c.3542C>T on transcript NM_022489.4 (MANE Select); coding-DNA position 3542, C replaced by T.
Protein change: p.Pro1181Leu; replaces proline 1181 with leucine.
Molecular consequence: missense variant.
Genome position (GRCh38, 1-based): chr14:104,714,704, C>T. VCF-style: chr14-104714704-C-T. GRCh37 (hg19) VCF-style: chr14-105181041-C-T.
Other names: c.3542C>T, p.Pro1181Leu (NM_001031714.4); short protein forms P1181L.
Identifiers: ClinVar variation 1732488 (VCV001732488.5), dbSNP rs1430235581, ClinGen allele CA391225127.

ClinVar aggregate classification (germline): Uncertain significance. Review status: criteria provided, multiple submitters, no conflicts (2 of 4 stars). 3 submissions from 3 submitters: Uncertain significance (3). Last evaluated 2024-05-22.

Conditions:
Inborn genetic diseases. Identifiers: MedGen C0950123, MeSH D030342.
Focal segmental glomerulosclerosis 5 (FSGS5). Identifiers: Orphanet 656, MedGen C2750475, MONDO:0013191, OMIM 613237.
Charcot-Marie-Tooth disease dominant intermediate E. Also called: CHARCOT-MARIE-TOOTH NEUROPATHY WITH FOCAL SEGMENTAL GLOMERULONEPHRITIS. Identifiers: Orphanet 93114, MedGen C4302667, MONDO:0013758, OMIM 614455.

Allele frequency attached by ClinVar (database versions not stated): gnomAD exomes below 0.00001.
gnomAD v4.1: 4 of 1,610,338 alleles (0.00025%); highest among the groups gnomAD compares: Non-Finnish European, 0.00034%; no homozygotes.

Submissions (3):

Labcorp Genetics (formerly Invitae), Labcorp
Classification: Uncertain significance for Charcot-Marie-Tooth disease dominant intermediate E; Focal segmental glomerulosclerosis 5. Last evaluated: 2024-05-22. Review status: criteria provided, single submitter. Criteria: Invitae Variant Classification Sherloc (09022015). Collection method: clinical testing. Allele origin: germline.
Comment: This sequence change replaces proline, which is neutral and non-polar, with leucine, which is neutral and non-polar, at codon 1181 of the INF2 protein (p.Pro1181Leu). This variant is not present in population databases (gnomAD no frequency). This variant has not been reported in the literature in individuals affected with INF2-related conditions. ClinVar contains an entry for this variant (Variation ID: 1732488). Advanced modeling of protein sequence and biophysical properties (such as structural, functional, and spatial information, amino acid conservation, physicochemical variation, residue mobility, and thermodynamic stability) performed at Invitae indicates that this missense variant is not expected to disrupt INF2 protein function with a negative predictive value of 95%. In summary, the available evidence is currently insufficient to determine the role of this variant in disease. Therefore, it has been classified as a Variant of Uncertain Significance.

Fulgent Genetics
Classification: Uncertain significance for Focal segmental glomerulosclerosis 5; Charcot-Marie-Tooth disease dominant intermediate E. Last evaluated: 2024-04-23. Review status: criteria provided, single submitter. Criteria: ACMG Guidelines, 2015. Collection method: clinical testing. Allele origin: germline.

Ambry Genetics
Classification: Uncertain significance for Inborn genetic diseases. Last evaluated: 2021-08-17. Review status: criteria provided, single submitter. Criteria: Ambry Variant Classification Scheme 2023. Collection method: clinical testing. Allele origin: germline.
Comment: The p.P1181L variant (also known as c.3542C>T), located in coding exon 20 of the INF2 gene, results from a C to T substitution at nucleotide position 3542. The proline at codon 1181 is replaced by leucine, an amino acid with similar properties. This amino acid position is conserved. In addition, this alteration is predicted to be tolerated by in silico analysis. Since supporting evidence is limited at this time, the clinical significance of this alteration remains unclear.